The following is an entry in ClinVar:

ClinVar aggregate classification (germline): Uncertain significance (1 of 4 stars; one submission).

gnomAD v4.1: 1 of 1,613,170 alleles (0.000062%); highest among the groups gnomAD compares: Middle Eastern, 0.017%; no homozygotes.

Submission:

GeneDx
Classification: Uncertain significance. Last evaluated: 2024-04-11. Review status: criteria provided, single submitter. Criteria: GeneDx Variant Classification Process June 2021. Collection method: clinical testing. Allele origin: germline. Affected: yes.
Comment: Not observed at significant frequency in large population cohorts (gnomAD); In silico analysis indicates that this missense variant does not alter protein structure/function; Has not been previously published as pathogenic or benign to our knowledge

NM_001080517.3(SETD5):c.1497C>G (p.Asp499Glu)

Gene: SETD5 (SET domain containing 5; plus strand). Cytogenetic location: 3p25.3.
Variant type: single nucleotide variant.
Coding change: c.1497C>G on transcript NM_001080517.3 (MANE Select); coding-DNA position 1497, C replaced by G.
Protein change: p.Asp499Glu; replaces aspartic acid 499 with glutamic acid.
Molecular consequence: missense variant.
Genome position (GRCh38, 1-based): chr3:9,445,713, C>G. VCF-style: chr3-9445713-C-G. GRCh37 (hg19) VCF-style: chr3-9487397-C-G.
Other names: c.1203C>G, p.Asp401Glu (NM_001292043.2, NM_001349451.2); short protein forms D401E, D499E.
Identifiers: ClinVar variation 3372414 (VCV003372414.1).
Genomic context (GRCh38, chr3:9,445,713, plus strand): 5'-AAAGGAAGTAGACAATCCAGAAGAAAAACCAGAAGAAGAGAAAGAAGAGGTTATAGATGA[C>G]CAGGAGAACCTAGCTCATAGCAGGAGGGTGAGTACTGTCTGACATTACTTTGCTCCTTCT-3'
Protein context (NP_001073986.1, residues 489-509): PEEEKEEVID[Asp499Glu]QENLAHSRRT